The following is an entry in ClinVar:

ClinVar aggregate classification (germline): Uncertain significance. Review status: criteria provided, multiple submitters, no conflicts (2 of 4 stars). 2 submissions from 2 submitters: Uncertain significance (2). Last evaluated 2025-07-14.

Conditions:
Hereditary cancer-predisposing syndrome. Also called: Tumor predisposition; Hereditary Cancer Syndrome; Hereditary neoplastic syndrome; Neoplastic Syndromes, Hereditary. Identifiers: Orphanet 140162, MedGen C0027672, MeSH D009386, MONDO:0015356.
Familial adenomatous polyposis 1 (FAP1). Also called: FAMILIAL ADENOMATOUS POLYPOSIS 1, ATTENUATED; POLYPOSIS, ADENOMATOUS INTESTINAL. Identifiers: MedGen C2713442, MONDO:0021056, OMIM 175100. Disease mechanism: loss of function.

Submissions (2):

Ambry Genetics
Classification: Uncertain significance for Hereditary cancer-predisposing syndrome. Last evaluated: 2025-07-14. Review status: criteria provided, single submitter. Criteria: Ambry Variant Classification Scheme 2023. Collection method: clinical testing. Allele origin: germline.
Comment: The p.Q1429R variant (also known as c.4286A>G), located in coding exon 15 of the APC gene, results from an A to G substitution at nucleotide position 4286. The glutamine at codon 1429 is replaced by arginine, an amino acid with highly similar properties. This amino acid position is highly conserved in available vertebrate species. In addition, in silico predictors for this gene do not accurately predict pathogenicity. Missense alterations in APC are not a common cause of disease (Spier I et al. Genet Med. 2024 Feb;26(2):100992). Based on the available evidence, the clinical significance of this variant remains unclear.

Labcorp Genetics (formerly Invitae), Labcorp
Classification: Uncertain significance for Familial adenomatous polyposis 1. Last evaluated: 2025-05-20. Review status: criteria provided, single submitter. Criteria: Invitae Variant Classification Sherloc (09022015). Collection method: clinical testing. Allele origin: germline.
Comment: This sequence change replaces glutamine, which is neutral and polar, with arginine, which is basic and polar, at codon 1429 of the APC protein (p.Gln1429Arg). This variant is not present in population databases (gnomAD no frequency). This variant has not been reported in the literature in individuals affected with APC-related conditions. ClinVar contains an entry for this variant (Variation ID: 537488). Invitae Evidence Modeling of protein sequence and biophysical properties (such as structural, functional, and spatial information, amino acid conservation, physicochemical variation, residue mobility, and thermodynamic stability) indicates that this missense variant is not expected to disrupt APC protein function with a negative predictive value of 95%. In summary, the available evidence is currently insufficient to determine the role of this variant in disease. Therefore, it has been classified as a Variant of Uncertain Significance.

NM_000038.6(APC):c.4286A>G (p.Gln1429Arg)

Gene: APC (APC regulator of Wnt signaling pathway; plus strand). Cytogenetic location: 5q22.2.
Variant type: single nucleotide variant.
Coding change: c.4286A>G on transcript NM_000038.6 (MANE Select); coding-DNA position 4286, A replaced by G.
Protein change: p.Gln1429Arg; replaces glutamine 1429 with arginine.
Molecular consequence: missense variant.
Genome position (GRCh38, 1-based): chr5:112,839,880, A>G. VCF-style: chr5-112839880-A-G. GRCh37 (hg19) VCF-style: chr5-112175577-A-G.
Other names: c.4286A>G, p.Gln1429Arg (NM_001127510.3, NM_001354895.2); c.4232A>G, p.Gln1411Arg (NM_001127511.3); c.4340A>G, p.Gln1447Arg (NM_001354896.2); c.4316A>G, p.Gln1439Arg (NM_001354897.2); c.4211A>G, p.Gln1404Arg (NM_001354898.2); c.4202A>G, p.Gln1401Arg (NM_001354899.2); c.4163A>G, p.Gln1388Arg (NM_001354900.2); c.4109A>G, p.Gln1370Arg (NM_001354901.2); and 5 more; short protein forms Q1411R, Q1429R, Q1303R, Q1146R, Q1269R, Q1328R, Q1338R, Q1447R.
Identifiers: ClinVar variation 537488 (VCV000537488.16), dbSNP rs1554085710, ClinGen allele CA16030722.